The following is an entry in ClinVar:

NM_004364.5(CEBPA):c.548C>G (p.Pro183Arg)

Gene: CEBPA (CCAAT enhancer binding protein alpha; minus strand). Cytogenetic location: 19q13.11.
Variant type: single nucleotide variant.
Coding change: c.548C>G on transcript NM_004364.5 (MANE Select); coding-DNA position 548, C replaced by G.
Protein change: p.Pro183Arg; replaces proline 183 with arginine.
Molecular consequence: missense variant.
Genome position (GRCh38, 1-based): chr19:33,301,867, G>C on the plus strand (C>G on the coding strand, the complement: CEBPA is on the minus strand). VCF-style: chr19-33301867-G-C. GRCh37 (hg19) VCF-style: chr19-33792773-G-C.
Other names: c.191C>G, p.Pro64Arg (NM_001285829.2); c.653C>G, p.Pro218Arg (NM_001287424.2); c.506C>G, p.Pro169Arg (NM_001287435.2); short protein forms P183R, P218R, P64R, P169R.
Identifiers: ClinVar variation 1474506 (VCV001474506.6), dbSNP rs1222448862, ClinGen allele CA405274715.
Genomic context (GRCh38, chr19:33,301,867, plus strand): 5'-GCGGCCAGGTGCGCGGGCGGCGGGTGCGGGTGCGGGTGCGAGGGCGGCGGCGGCGGCGGC[G>C]GCTGGTAAGGGAAGAGGCCGGCCAGCGCCAGCTGCTTGGCTTCATCCTCCTCGCGGGGCT-3'
Protein context (NP_004355.2, residues 173-193): LALAGLFPYQ[Pro183Arg]PPPPPPSHPH

ClinVar aggregate classification (germline): Uncertain significance (1 of 4 stars; one submission).

Conditions:
Acute myeloid leukemia (AML). Also called: Leukemia, acute myeloid, somatic; Leukemia, acute myelogenous, somatic; Acute myeloid leukemia, adult; AML adult; Acute non-lymphocytic leukemia; Acute granulocytic leukemia. Identifiers: Orphanet 519, MedGen C0023467, MeSH D015470, MONDO:0018874, OMIM 601626, HP:0004808. Disease mechanism: Constitutively activated FLT3.

Submission:

Labcorp Genetics (formerly Invitae), Labcorp
Classification: Uncertain significance for Acute myeloid leukemia. Last evaluated: 2024-04-15. Review status: criteria provided, single submitter. Criteria: Invitae Variant Classification Sherloc (09022015). Collection method: clinical testing. Allele origin: germline.
Comment: This sequence change replaces proline, which is neutral and non-polar, with arginine, which is basic and polar, at codon 183 of the CEBPA protein (p.Pro183Arg). This variant is not present in population databases (gnomAD no frequency). This variant has not been reported in the literature in individuals affected with CEBPA-related conditions. ClinVar contains an entry for this variant (Variation ID: 1474506). An algorithm developed to predict the effect of missense changes on protein structure and function (PolyPhen-2) suggests that this variant is likely to be tolerated. In summary, the available evidence is currently insufficient to determine the role of this variant in disease. Therefore, it has been classified as a Variant of Uncertain Significance.